The following is an entry in ClinVar:

NM_000321.3(RB1):c.2586T>G (p.Ser862Arg)

Gene: RB1 (RB transcriptional corepressor 1; plus strand). Cytogenetic location: 13q14.2.
Variant type: single nucleotide variant.
Coding change: c.2586T>G on transcript NM_000321.3 (MANE Select); coding-DNA position 2586, T replaced by G.
Protein change: p.Ser862Arg; replaces serine 862 with arginine.
Molecular consequence: missense variant.
Genome position (GRCh38, 1-based): chr13:48,476,766, T>G. VCF-style: chr13-48476766-T-G. GRCh37 (hg19) VCF-style: chr13-49050902-T-G.
Other names: short protein forms S862R.
Identifiers: ClinVar variation 1024547 (VCV001024547.9), dbSNP rs1593547157, ClinGen allele CA388157352.

ClinVar aggregate classification (germline): Uncertain significance (1 of 4 stars; one submission).

Conditions:
Retinoblastoma (RB1). Also called: RETINOBLASTOMA, SOMATIC. Identifiers: Orphanet 790, MedGen C0035335, MeSH D012175, MONDO:0008380, OMIM 180200, HP:0009919. Disease mechanism: loss of function. Inheritance: Both sporadic and heritable forms are tested..

Submission:

Labcorp Genetics (formerly Invitae), Labcorp
Classification: Uncertain significance for Retinoblastoma. Last evaluated: 2020-02-20. Review status: criteria provided, single submitter. Criteria: Invitae Variant Classification Sherloc (09022015). Collection method: clinical testing. Allele origin: germline.
Comment: In summary, the available evidence is currently insufficient to determine the role of this variant in disease. Therefore, it has been classified as a Variant of Uncertain Significance. Algorithms developed to predict the effect of missense changes on protein structure and function are either unavailable or do not agree on the potential impact of this missense change (SIFT: "Deleterious"; PolyPhen-2: "Benign"; Align-GVGD: "Class C0"). This variant has not been reported in the literature in individuals with RB1-related conditions. This variant is not present in population databases (ExAC no frequency). This sequence change replaces serine with arginine at codon 862 of the RB1 protein (p.Ser862Arg). The serine residue is highly conserved and there is a moderate physicochemical difference between serine and arginine.